The following is an entry in ClinVar:

NM_139343.3(BIN1):c.1046C>T (p.Pro349Leu)

Gene: BIN1 (bridging integrator 1; minus strand). Cytogenetic location: 2q14.3.
Variant type: single nucleotide variant.
Coding change: c.1046C>T on transcript NM_139343.3 (MANE Select); coding-DNA position 1046, C replaced by T.
Protein change: p.Pro349Leu; replaces proline 349 with leucine.
Molecular consequence: missense variant. On other transcripts: intron variant (9).
Genome position (GRCh38, 1-based): chr2:127,057,558, G>A on the plus strand (C>T on the coding strand, the complement: BIN1 is on the minus strand). VCF-style: chr2-127057558-G-A. GRCh37 (hg19) VCF-style: chr2-127815134-G-A.
Other names: c.1046C>T, p.Pro349Leu (NM_001320640.2); c.953C>T, p.Pro318Leu (NM_001320641.2, NM_139347.3, NM_139348.3); c.965C>T, p.Pro322Leu (NM_001320642.1); c.998C>T, p.Pro333Leu (NM_139346.3); c.837+1453C>T (NM_001320634.1); c.909+1453C>T (NM_139351.3, NM_139350.3, NM_139349.3); c.954+1453C>T (NM_001320632.2, NM_004305.4); c.1002+1453C>T (NM_001320633.2, NM_139345.3, NM_139344.3); short protein forms P349L, P322L, P333L, P318L.
Identifiers: ClinVar variation 583021 (VCV000583021.11), dbSNP rs775494528, ClinGen allele CA55343833.

ClinVar aggregate classification (germline): Uncertain significance. Review status: criteria provided, multiple submitters, no conflicts (2 of 4 stars). 3 submissions from 3 submitters: Uncertain significance (3). Last evaluated 2024-02-02.

Conditions:
Inborn genetic diseases. Identifiers: MedGen C0950123, MeSH D030342.
Myopathy, centronuclear, 2 (CNM2). Also called: MYOTUBULAR MYOPATHY, AUTOSOMAL RECESSIVE. Identifiers: Orphanet 169186, MedGen CN031787, MONDO:0009709, OMIM 255200.

Allele frequency attached by ClinVar (database versions not stated): gnomAD 0.00001; gnomAD exomes 0.00001; TOPMed 0.00001.
gnomAD v4.1: 12 of 1,543,428 alleles (0.00078%); highest among the groups gnomAD compares: African/African-American, 0.0027%; no homozygotes.

Submissions (3):

Blueprint Genetics
Classification: Uncertain significance. Last evaluated: 2024-02-02. Review status: criteria provided, single submitter. Criteria: ACMG Guidelines, 2015. Collection method: clinical testing. Allele origin: germline.

Ambry Genetics
Classification: Uncertain significance for Inborn genetic diseases. Last evaluated: 2023-12-27. Review status: criteria provided, single submitter. Criteria: Ambry Variant Classification Scheme 2023. Collection method: clinical testing. Allele origin: germline.

Labcorp Genetics (formerly Invitae), Labcorp
Classification: Uncertain significance for Myopathy, centronuclear, 2. Last evaluated: 2023-03-23. Review status: criteria provided, single submitter. Criteria: Invitae Variant Classification Sherloc (09022015). Collection method: clinical testing. Allele origin: germline.
Comment: This sequence change replaces proline, which is neutral and non-polar, with leucine, which is neutral and non-polar, at codon 349 of the BIN1 protein (p.Pro349Leu). The frequency data for this variant in the population databases is considered unreliable, as metrics indicate poor data quality at this position in the gnomAD database. This variant has not been reported in the literature in individuals affected with BIN1-related conditions. ClinVar contains an entry for this variant (Variation ID: 583021). An algorithm developed to predict the effect of missense changes on protein structure and function (PolyPhen-2) suggests that this variant is likely to be disruptive. In summary, the available evidence is currently insufficient to determine the role of this variant in disease. Therefore, it has been classified as a Variant of Uncertain Significance.